The following is an entry in ClinVar:

ClinVar aggregate classification (germline): Uncertain significance (1 of 4 stars; one submission).

Submission:

Labcorp Genetics (formerly Invitae), Labcorp
Classification: Uncertain significance. Last evaluated: 2023-11-20. Review status: criteria provided, single submitter. Criteria: Invitae Variant Classification Sherloc (09022015). Collection method: clinical testing. Allele origin: germline.
Comment: This sequence change falls in intron 4 of the IDH3A gene. It does not directly change the encoded amino acid sequence of the IDH3A protein. This variant is not present in population databases (gnomAD no frequency). This variant has not been reported in the literature in individuals affected with IDH3A-related conditions. ClinVar contains an entry for this variant (Variation ID: 1346045). Algorithms developed to predict the effect of sequence changes on RNA splicing suggest that this variant may disrupt the consensus splice site. In summary, the available evidence is currently insufficient to determine the role of this variant in disease. Therefore, it has been classified as a Variant of Uncertain Significance.

NM_005530.3(IDH3A):c.290-4A>G

Gene: IDH3A (isocitrate dehydrogenase (NAD(+)) 3 catalytic subunit alpha; plus strand). Cytogenetic location: 15q25.1.
Variant type: single nucleotide variant.
Coding change: c.290-4A>G on transcript NM_005530.3 (MANE Select); 4 bases into the intron before coding-DNA position 290, A replaced by G.
Molecular consequence: intron variant.
Genome position (GRCh38, 1-based): chr15:78,161,577, A>G. VCF-style: chr15-78161577-A-G. GRCh37 (hg19) VCF-style: chr15-78453919-A-G.
Identifiers: ClinVar variation 1346045 (VCV001346045.8), dbSNP rs2141297330, ClinGen allele CA2573151224.